The following is an entry in ClinVar:

NM_000052.7(ATP7A):c.2261_2262del (p.Thr754fs)

Gene: ATP7A (ATPase copper transporting alpha; plus strand). Cytogenetic location: Xq21.1.
Variant type: Deletion.
Coding change: c.2261_2262del on transcript NM_000052.7 (MANE Select); coding-DNA positions 2261 to 2262, 2 bases deleted (CC; older notation c.2261_2262delCC).
Protein change: p.Thr754fs; shifts the reading frame from threonine 754.
Molecular consequence: frameshift variant. On other transcripts: intron variant (1).
Genome position (GRCh38, 1-based): chrX:78,012,967-78,012,968, CC deleted. VCF-style (leftmost placement, unchanged base first): chrX-78012966-ACC-A. GRCh37 (hg19) VCF-style: chrX-77268463-ACC-A.
Other names: c.2172+1293_2172+1294del (NM_001282224.2); short protein forms T754fs.
Identifiers: ClinVar variation 1726090 (VCV001726090.3), dbSNP rs2522354641, ClinGen allele CA2580101508.

ClinVar aggregate classification (germline): Likely pathogenic (1 of 4 stars; one submission).

Conditions:
Menkes kinky-hair syndrome (MNK). Also called: Copper transport disease; Classic Menkes Disease; Menkes Disease. Identifiers: Orphanet 565, MedGen C0022716, MONDO:0010651, OMIM 309400.

Submission:

Myriad Genetics, Inc.
Classification: Likely pathogenic for Menkes kinky-hair syndrome. Last evaluated: 2022-05-18. Review status: criteria provided, single submitter. Criteria: Myriad Autosomal Dominant, Autosomal Recessive and X-Linked Classification Criteria (2023). Collection method: clinical testing. Allele origin: unknown.
Comment: NM_000052.5(ATP7A):c.2261_2262delCC(T754Nfs*17) is expected to be pathogenic in the context of ATP7A-related disorders. This variant is predicted to lead to an abnormal or absent protein product due to the creation of a premature termination codon in ATP7A, a gene where loss-of-function variants are known to be pathogenic. Please note: this variant was assessed in the context of healthy population screening.